The following is an entry in ClinVar:

ClinVar aggregate classification (germline): Uncertain significance (1 of 4 stars; one submission).

Conditions:
Inborn genetic diseases. Identifiers: MedGen C0950123, MeSH D030342.

gnomAD v4.1: 4 of 1,613,964 alleles (0.00025%); highest among the groups gnomAD compares: South Asian, 0.0033%; no homozygotes.

Submission:

Ambry Genetics
Classification: Uncertain significance for Inborn genetic diseases. Last evaluated: 2025-02-08. Review status: criteria provided, single submitter. Criteria: Ambry Variant Classification Scheme 2023. Collection method: clinical testing. Allele origin: germline.
Comment: The p.K383N variant (also known as c.1149A>C), located in coding exon 10 of the CEP57 gene, results from an A to C substitution at nucleotide position 1149. The lysine at codon 383 is replaced by asparagine, an amino acid with similar properties. This amino acid position is conserved. In addition, this alteration is predicted to be tolerated by in silico analysis. Based on the available evidence, the clinical significance of this variant remains unclear.

NM_014679.5(CEP57):c.1149A>C (p.Lys383Asn)

Gene: CEP57 (centrosomal protein 57; plus strand). Cytogenetic location: 11q21.
Variant type: single nucleotide variant.
Coding change: c.1149A>C on transcript NM_014679.5 (MANE Select); coding-DNA position 1149, A replaced by C.
Protein change: p.Lys383Asn; replaces lysine 383 with asparagine.
Molecular consequence: missense variant.
Genome position (GRCh38, 1-based): chr11:95,829,208, A>C. VCF-style: chr11-95829208-A-C. GRCh37 (hg19) VCF-style: chr11-95562372-A-C.
Other names: c.1122A>C, p.Lys374Asn (NM_001243776.2); c.1071A>C, p.Lys357Asn (NM_001243777.2); c.1068A>C, p.Lys356Asn (NM_001363604.2); short protein forms K356N, K383N, K357N, K374N.
Identifiers: ClinVar variation 3831990 (VCV003831990.1).